The following is an entry in ClinVar:

NM_001378452.1(ITPR1):c.7478A>G (p.Glu2493Gly)

Gene: ITPR1 (inositol 1,4,5-trisphosphate receptor type 1; plus strand). Cytogenetic location: 3p26.1.
Variant type: single nucleotide variant.
Coding change: c.7478A>G on transcript NM_001378452.1 (MANE Select); coding-DNA position 7478, A replaced by G.
Protein change: p.Glu2493Gly; replaces glutamic acid 2493 with glycine.
Molecular consequence: missense variant.
Genome position (GRCh38, 1-based): chr3:4,813,151, A>G. VCF-style: chr3-4813151-A-G. GRCh37 (hg19) VCF-style: chr3-4854835-A-G.
Other names: c.7334A>G, p.Glu2445Gly (NM_001099952.4); c.7433A>G, p.Glu2478Gly (NM_001168272.2); c.7289A>G, p.Glu2430Gly (NM_002222.7); short protein forms E2430G, E2445G, E2478G, E2493G.
Identifiers: ClinVar variation 1304451 (VCV001304451.2), dbSNP rs985441885, ClinGen allele CA68844462.
Genomic context (GRCh38, chr3:4,813,151, plus strand): 5'-TAACCATATGCTGCCAGATTGTTCATCATAAAATTTCCTTCTCTCTCCCAGAAACCGGCG[A>G]GAGTTTGGCAAGCGAGTTCCTGTTCTCCGATGTGTGTAGGGTGGAGAGTGGGGAGAACTG-3'
Protein context (NP_001365381.1, residues 2483-2503): PNETAVPETG[Glu2493Gly]SLASEFLFSD

ClinVar aggregate classification (germline): Uncertain significance (1 of 4 stars; one submission).

Allele frequency attached by ClinVar (database versions not stated): gnomAD exomes below 0.00001.
gnomAD v4.1: 1 of 1,613,968 alleles (0.000062%); highest among the groups gnomAD compares: Non-Finnish European, 0.000085%; no homozygotes.

Submission:

GeneDx
Classification: Uncertain significance. Last evaluated: 2019-01-02. Review status: criteria provided, single submitter. Criteria: GeneDx Variant Classification Process June 2021. Collection method: clinical testing. Allele origin: germline. Affected: yes.
Comment: Not observed in large population cohorts (Lek et al., 2016); In silico analysis, which includes protein predictors and evolutionary conservation, supports a deleterious effect; Has not been previously published as pathogenic or benign to our knowledge